The following is an entry in ClinVar:

ClinVar aggregate classification (germline): Likely benign. Review status: criteria provided, single submitter (1 of 4 stars). 2 submissions from 2 submitters: Likely benign (1). 1 of the submissions does not count toward it. Last evaluated 2023-12-06.

Conditions:
Developmental and epileptic encephalopathy 94 (DEE94). Also called: Epileptic encephalopathy, childhood-onset; CHD2-Related Neurodevelopmental Disorders. Identifiers: Orphanet 1942, Orphanet 2382, MedGen C3809278, MONDO:0014150, OMIM 615369.
CHD2-related disorder. Also called: CHD2-related condition.

Allele frequency attached by ClinVar (database versions not stated): gnomAD exomes below 0.00001 and 0.00001; TOPMed below 0.00001; gnomAD 0.00001.
gnomAD v4.1: 15 of 1,608,238 alleles (0.00093%); highest among the groups gnomAD compares: South Asian, 0.0011%; no homozygotes.

Submissions (2):

Labcorp Genetics (formerly Invitae), Labcorp
Classification: Likely benign for Developmental and epileptic encephalopathy 94. Last evaluated: 2023-12-06. Review status: criteria provided, single submitter. Criteria: Invitae Variant Classification Sherloc (09022015). Collection method: clinical testing. Allele origin: germline.

PreventionGenetics, part of Exact Sciences
Classification: Likely benign for CHD2-related condition. Last evaluated: 2024-02-08. Review status: no assertion criteria provided. Collection method: clinical testing. Allele origin: germline. Not counted in ClinVar's aggregate classification.
Comment: This variant is classified as likely benign based on ACMG/AMP sequence variant interpretation guidelines (Richards et al. 2015 PMID: 25741868, with internal and published modifications).

NM_001271.4(CHD2):c.3214C>A (p.Arg1072=)

Gene: CHD2 (chromodomain helicase DNA binding protein 2; plus strand). Cytogenetic location: 15q26.1.
Variant type: single nucleotide variant.
Coding change: c.3214C>A on transcript NM_001271.4 (MANE Select); coding-DNA position 3214, C replaced by A.
Protein change: p.Arg1072=; no amino-acid change (arginine 1072 retained).
Molecular consequence: synonymous variant.
Genome position (GRCh38, 1-based): chr15:92,984,477, C>A. VCF-style: chr15-92984477-C-A. GRCh37 (hg19) VCF-style: chr15-93527707-C-A.
Identifiers: ClinVar variation 933705 (VCV000933705.12), dbSNP rs767106034, ClinGen allele CA274859084.
Genomic context (GRCh38, chr15:92,984,477, plus strand): 5'-AGGAAAAAAGTAGAGGAGGAAGAGCGGCAGAAGGAGCTAGAAGAAATTTATATGCTGCCT[C>A]GAATTCGGAGTTCCACTAAAAAGGTGATCAAGTGAGATGAAAGATATGAAATTATTTCTT-3'
Protein context (NP_001262.3, residues 1062-1082): KELEEIYMLP[Arg1072=]IRSSTKKAQT